The following is an entry in ClinVar:

NM_001355436.2(SPTB):c.2893del (p.Glu965fs)

Gene: SPTB (spectrin beta, erythrocytic; minus strand). Cytogenetic location: 14q23.3.
Variant type: Deletion.
Coding change: c.2893del on transcript NM_001355436.2 (MANE Select); coding-DNA position 2893, one base deleted (G; older notation c.2893delG).
Protein change: p.Glu965fs; shifts the reading frame from glutamic acid 965.
Molecular consequence: frameshift variant.
Genome position (GRCh38, 1-based): chr14:64,787,072, C deleted on the plus strand (G on the coding strand, the reverse complement: SPTB is on the minus strand); the first of 2 consecutive C bases (chr14:64,787,072-64,787,073); deleting either gives the same sequence. VCF-style (leftmost placement, unchanged base first): chr14-64787071-TC-T. GRCh37 (hg19) VCF-style: chr14-65253789-TC-T.
Other names: c.2893del, p.Glu965fs (NM_001024858.4, NM_001355437.2); short protein forms E965fs.
Identifiers: ClinVar variation 3389831 (VCV003389831.14).

ClinVar aggregate classification (germline): Pathogenic (1 of 4 stars; one submission).

Submission:

CeGaT Center for Human Genetics Tuebingen
Classification: Pathogenic. Last evaluated: 2024-10-01. Review status: criteria provided, single submitter. Criteria: CeGaT Center For Human Genetics Tuebingen Variant Classification Criteria Version 2. Collection method: clinical testing. Allele origin: germline. Affected: yes. Observed: 1 variant allele.
Comment: SPTB: PVS1, PM2